The following is an entry in ClinVar:

NM_001365951.3(KIF1B):c.2055G>T (p.Met685Ile)

Gene: KIF1B (kinesin family member 1B; plus strand). Cytogenetic location: 1p36.22.
Variant type: single nucleotide variant.
Coding change: c.2055G>T on transcript NM_001365951.3 (MANE Select); coding-DNA position 2055, G replaced by T.
Protein change: p.Met685Ile; replaces methionine 685 with isoleucine.
Molecular consequence: missense variant.
Genome position (GRCh38, 1-based): chr1:10,297,186, G>T. VCF-style: chr1-10297186-G-T. GRCh37 (hg19) VCF-style: chr1-10357244-G-T.
Other names: c.2055G>T, p.Met685Ile (NM_001365952.1); c.1917G>T, p.Met639Ile (NM_001365953.1, NM_015074.3, NM_183416.4); short protein forms M685I, M639I.
Identifiers: ClinVar variation 4092319 (VCV004092319.1).

ClinVar aggregate classification (germline): Uncertain significance (1 of 4 stars; one submission).

Submission:

Ambry Genetics
Classification: Uncertain significance. Last evaluated: 2025-06-17. Review status: criteria provided, single submitter. Criteria: Ambry Variant Classification Scheme 2023. Collection method: clinical testing. Allele origin: germline.
Comment: The p.M639I variant (also known as c.1917G>T), located in coding exon 19 of the KIF1B gene, results from a G to T substitution at nucleotide position 1917. The methionine at codon 639 is replaced by isoleucine, an amino acid with highly similar properties. This amino acid position is conserved. In addition, the in silico prediction for this alteration is inconclusive. Based on the available evidence, the clinical significance of this variant remains unclear.